The following is an entry in ClinVar:

ClinVar aggregate classification (germline): Conflicting classifications of pathogenicity. Review status: criteria provided, conflicting classifications (1 of 4 stars). 13 submissions from 13 submitters: Uncertain significance (11); Likely benign (1). 1 of the submissions does not count toward it. Last evaluated 2026-02-18.

Conditions:
APC-related disorder. Also called: APC-related condition.
Classic or attenuated familial adenomatous polyposis. Identifiers: MedGen CN372698, MONDO:0021057.
Hereditary cancer-predisposing syndrome. Also called: Neoplastic Syndromes, Hereditary; Tumor predisposition; Hereditary Cancer Syndrome; Hereditary neoplastic syndrome. Identifiers: Orphanet 140162, MedGen C0027672, MeSH D009386, MONDO:0015356.
Familial adenomatous polyposis 1 (FAP1). Also called: FAMILIAL ADENOMATOUS POLYPOSIS 1, ATTENUATED; POLYPOSIS, ADENOMATOUS INTESTINAL. Identifiers: MedGen C2713442, MONDO:0021056, OMIM 175100. Disease mechanism: loss of function.

Allele frequency attached by ClinVar (database versions not stated): ExAC 0.00003; gnomAD 0.00003; TOPMed 0.00011.
gnomAD v4.1: 11 of 1,614,132 alleles (0.00068%); highest among the groups gnomAD compares: Middle Eastern, 0.033%; no homozygotes.

Submissions (13):

PreventionGenetics, part of Exact Sciences
Classification: Uncertain significance for APC-related condition. Last evaluated: 2026-02-18. Review status: criteria provided, single submitter. Criteria: ACMG Guidelines, 2015. Collection method: clinical testing. Allele origin: germline.
Comment: The APC c.2870A>G variant is predicted to result in the amino acid substitution p.Lys957Arg. This variant has been reported in individuals with breast or thyroid cancer, in individuals undergoing hereditary cancer screening as well as in unaffected individuals (Rapposelli et al. 2021. PubMed ID: 34034685; AlHarbi et al. 2023. PubMed ID: 37306523; Pereira et al. 2022. PubMed ID: 35980532; de Oliveira et al. 2022. PubMed ID: 35534704). This variant is reported in 0.0029% of alleles in individuals of Latino descent in gnomAD and has conflicting interpretations in ClinVar ranging from uncertain to likely benign (Variation ID: 231960﻿). At this time, the clinical significance of this variant is uncertain due to the absence of conclusive functional and genetic evidence.

Labcorp Genetics (formerly Invitae), Labcorp
Classification: Uncertain significance for Familial adenomatous polyposis 1. Last evaluated: 2026-02-03. Review status: criteria provided, single submitter. Criteria: Invitae Variant Classification Sherloc (09022015). Collection method: clinical testing. Allele origin: germline.
Comment: This sequence change replaces lysine, which is basic and polar, with arginine, which is basic and polar, at codon 957 of the APC protein (p.Lys957Arg). This variant is present in population databases (rs777881096, gnomAD 0.006%). This variant has not been reported in the literature in individuals affected with APC-related conditions. ClinVar contains an entry for this variant (Variation ID: 231960). Invitae Evidence Modeling of protein sequence and biophysical properties (such as structural, functional, and spatial information, amino acid conservation, physicochemical variation, residue mobility, and thermodynamic stability) indicates that this missense variant is not expected to disrupt APC protein function with a negative predictive value of 95%. In summary, the available evidence is currently insufficient to determine the role of this variant in disease. Therefore, it has been classified as a Variant of Uncertain Significance.

Quest Diagnostics Nichols Institute San Juan Capistrano
Classification: Uncertain significance. Last evaluated: 2025-09-12. Review status: criteria provided, single submitter. Criteria: Quest Diagnostics criteria. Collection method: clinical testing. Allele origin: unknown.
Comment: The APC c.2870A>G (p.Lys957Arg) variant has been reported in the published literature in individuals with a personal and/or family history of breast, pancreatic, thyroid, and kidney cancer (PMID: 35980532 (2022), 35534704 (2022), 34034685 (2021), 29684080 (2018)). This variant has also been observed in a reportedly unaffected individual who had a family history of hereditary cancer (PMID: 37306523 (2023)). The frequency of this variant in the general population (Genome Aggregation Database) is uninformative in the assessment of its pathogenicity. Analysis of this variant using bioinformatics tools for the prediction of the effect of amino acid changes on protein structure and function yielded predictions that this variant is benign. Based on the available information, we are unable to determine the clinical significance of this variant.

Ambry Genetics
Classification: Likely benign for Hereditary cancer-predisposing syndrome. Last evaluated: 2024-09-24. Review status: criteria provided, single submitter. Criteria: Ambry Variant Classification Scheme 2023. Collection method: clinical testing. Allele origin: germline.

All of Us Research Program, National Institutes of Health
Classification: Uncertain significance for Classic or attenuated familial adenomatous polyposis. Last evaluated: 2024-08-06. Review status: criteria provided, single submitter. Criteria: ACMG Guidelines, 2015. Collection method: clinical testing. Allele origin: germline. Inheritance: Autosomal dominant inheritance. Observed: 9 variant alleles, 9 heterozygotes.
Comment: This missense variant replaces lysine with arginine at codon 957 of the APC protein. Computational prediction suggests that this variant may not impact protein structure and function (internally defined REVEL score threshold <= 0.5, PMID: 27666373). To our knowledge, functional studies have not been reported for this variant. This variant has been reported in individuals affected with breast, thyroid, and kidney cancer (PMID: 29684080, 34034685), as well as in unaffected individuals (PMID: 30267214, 34034685). This variant has been identified in 2/250958 chromosomes in the general population by the Genome Aggregation Database (gnomAD). The available evidence is insufficient to determine the role of this variant in disease conclusively. Therefore, this variant is classified as a Variant of Uncertain Significance.

This study involves interpretation of variants in research participants for the purpose of population health screening. Participant phenotype was not available at the time of variant classification. Additional details can be found in publication PMID: 35346344, PMCID: PMC8962531

Women's Health and Genetics/Laboratory Corporation of America, LabCorp
Classification: Uncertain significance. Last evaluated: 2024-07-08. Review status: criteria provided, single submitter. Criteria: LabCorp Variant Classification Summary - May 2015. Collection method: clinical testing. Allele origin: germline.
Comment: Variant summary: APC c.2870A>G (p.Lys957Arg) results in a conservative amino acid change in the encoded protein sequence. Three of five in-silico tools predict a benign effect of the variant on protein function. The variant allele was found at a frequency of 8e-06 in 250958 control chromosomes (gnomAD). The available data on variant occurrences in the general population are insufficient to allow any conclusion about variant significance. c.2870A>G has been reported in the literature in individuals with high risk, breast and/or thyroid cancer, and those undergoing breast and ovary screening as well as in an unaffected individual (example: AlHarbi_2023, de Oliveira_2022, Pereira_2022, Rapposelli _2021). These report(s) do not provide unequivocal conclusions about association of the variant with Familial Adenomatous Polyposis. Co-occurrence with another pathogenic variant has been reported (MSH6 c.1883G>A, p.Trp628*; AlHarbi _2023) for this variant. To our knowledge, no experimental evidence demonstrating an impact on protein function has been reported. The following publications have been ascertained in the context of this evaluation (PMID: 37306523, 32999869, 35980532, 34034685, 35534704). ClinVar contains an entry for this variant (Variation ID: 231960). Based on the evidence outlined above, the variant was classified as uncertain significance.

Color Diagnostics, LLC DBA Color Health
Classification: Uncertain significance for Hereditary cancer-predisposing syndrome. Last evaluated: 2024-04-17. Review status: criteria provided, single submitter. Criteria: ACMG Guidelines, 2015. Collection method: clinical testing. Allele origin: germline.
Comment: This missense variant replaces lysine with arginine at codon 957 of the APC protein. Computational prediction suggests that this variant may not impact protein structure and function (internally defined REVEL score threshold <= 0.5, PMID: 27666373). To our knowledge, functional studies have not been reported for this variant. This variant has been reported in individuals affected with breast, thyroid, and kidney cancer (PMID: 29684080, 34034685), as well as in unaffected individuals (PMID: 30267214, 34034685). This variant has been identified in 2/250958 chromosomes in the general population by the Genome Aggregation Database (gnomAD). The available evidence is insufficient to determine the role of this variant in disease conclusively. Therefore, this variant is classified as a Variant of Uncertain Significance.

Baylor Genetics
Classification: Uncertain significance for Familial adenomatous polyposis 1. Last evaluated: 2024-02-19. Review status: criteria provided, single submitter. Criteria: ACMG Guidelines, 2015. Collection method: clinical testing. Allele origin: unknown.

GeneDx
Classification: Uncertain significance. Last evaluated: 2024-02-14. Review status: criteria provided, single submitter. Criteria: GeneDx Variant Classification Process June 2021. Collection method: clinical testing. Allele origin: germline. Affected: yes.
Comment: Not observed at significant frequency in large population cohorts (gnomAD); In silico analysis supports that this missense variant does not alter protein structure/function; Observed in individuals with breast, pancreatic and other cancers (PMID: 29684080, 34034685, 35534704, 35980532); This variant is associated with the following publications: (PMID: 34034685, 35534704, 29684080, 35980532, 37306523)

St. Jude Molecular Pathology, St. Jude Children's Research Hospital
Classification: Uncertain significance for Familial adenomatous polyposis 1. Last evaluated: 2024-01-14. Review status: criteria provided, single submitter. Criteria: St. Jude Assertion Criteria 2020. Collection method: clinical testing. Allele origin: germline.
Comment: The APC c.2870A>G (p.Lys957Arg) missense change has a maximum subpopulation frequency of 0.002% in gnomAD v2.1.1. The in silico tool REVEL predicts a benign effect of this variant on protein function, but functional studies have not been performed. This variant has not been reported in the literature in individuals with APC-related disease. In summary, the evidence currently available is insufficient to determine the clinical significance of this variant. It has therefore been classified as of uncertain significance.?

Myriad Genetics, Inc.
Classification: Uncertain significance for Familial adenomatous polyposis 1. Last evaluated: 2023-02-15. Review status: criteria provided, single submitter. Criteria: Myriad Autosomal Dominant, Autosomal Recessive and X-Linked Classification Criteria (2023). Collection method: clinical testing. Allele origin: unknown.
Comment: This variant is classified as a variant of uncertain significance as there is insufficient evidence to determine its impact on protein function and/or cancer risk.

Revvity Omics, Revvity
Classification: Uncertain significance. Last evaluated: 2019-10-03. Review status: criteria provided, single submitter. Criteria: ACMG Guidelines, 2015. Collection method: clinical testing. Allele origin: germline.

Counsyl
Classification: Uncertain significance for Familial adenomatous polyposis 1. Last evaluated: 2016-09-16. Review status: no assertion criteria provided. Collection method: clinical testing. Allele origin: unknown. Not counted in ClinVar's aggregate classification.

Literature cited by the submitters: PubMed 29684080 (cited by 4 submitters); PubMed 34034685 (cited by 5 submitters); PubMed 35980532 (cited by Quest Diagnostics Nichols Institute San Juan Capistrano and Women's Health and Genetics/Laboratory Corporation of America, LabCorp); PubMed 37306523 (cited by Quest Diagnostics Nichols Institute San Juan Capistrano and Women's Health and Genetics/Laboratory Corporation of America, LabCorp); PubMed 35534704 (cited by Quest Diagnostics Nichols Institute San Juan Capistrano and Women's Health and Genetics/Laboratory Corporation of America, LabCorp); PubMed 30267214 (cited by 3 submitters); PubMed 32999869 (cited by Women's Health and Genetics/Laboratory Corporation of America, LabCorp).

NM_000038.6(APC):c.2870A>G (p.Lys957Arg)

Gene: APC (APC regulator of Wnt signaling pathway; plus strand). Cytogenetic location: 5q22.2.
Variant type: single nucleotide variant.
Coding change: c.2870A>G on transcript NM_000038.6 (MANE Select); coding-DNA position 2870, A replaced by G.
Protein change: p.Lys957Arg; replaces lysine 957 with arginine.
Molecular consequence: missense variant.
Genome position (GRCh38, 1-based): chr5:112,838,464, A>G. VCF-style: chr5-112838464-A-G. GRCh37 (hg19) VCF-style: chr5-112174161-A-G.
Other names: c.2870A>G, p.Lys957Arg (NM_001127510.3, NM_001354895.2); c.2816A>G, p.Lys939Arg (NM_001127511.3); c.2924A>G, p.Lys975Arg (NM_001354896.2); c.2900A>G, p.Lys967Arg (NM_001354897.2); c.2795A>G, p.Lys932Arg (NM_001354898.2); c.2786A>G, p.Lys929Arg (NM_001354899.2); c.2747A>G, p.Lys916Arg (NM_001354900.2); c.2693A>G, p.Lys898Arg (NM_001354901.2); and 5 more; short protein forms K939R, K957R, K831R, K856R, K916R, K967R, K797R, K866R.
Identifiers: ClinVar variation 231960 (VCV000231960.36), dbSNP rs777881096, ClinGen allele CA033814.